The following is an entry in ClinVar:

ClinVar aggregate classification (germline): Conflicting classifications of pathogenicity. Review status: criteria provided, conflicting classifications (1 of 4 stars). 2 submissions from 2 submitters: Uncertain significance (1); Likely benign (1). Last evaluated 2025-06-10.

Conditions:
Cardiovascular phenotype. Identifiers: MedGen CN230736.
Noonan syndrome 9 (NS9). Identifiers: Orphanet 648, MedGen C4225282, MONDO:0014691, OMIM 616559.

Allele frequency attached by ClinVar (database versions not stated): gnomAD exomes below 0.00001 and 0.00002; gnomAD 0.00001; ExAC 0.00002; TOPMed 0.00002; ESP Exome Variant Server 0.00008.
gnomAD v4.1: 4 of 1,595,224 alleles (0.00025%); highest among the groups gnomAD compares: East Asian, 0.0067%; no homozygotes.

Submissions (2):

Ambry Genetics
Classification: Uncertain significance for Cardiovascular phenotype. Last evaluated: 2025-06-10. Review status: criteria provided, single submitter. Criteria: Ambry Variant Classification Scheme 2023. Collection method: clinical testing. Allele origin: germline.
Comment: The p.L1136S variant (also known as c.3407T>C), located in coding exon 22 of the SOS2 gene, results from a T to C substitution at nucleotide position 3407. The leucine at codon 1136 is replaced by serine, an amino acid with dissimilar properties. This amino acid position is conserved. In addition, the in silico prediction for this alteration is inconclusive. Based on the available evidence, the clinical significance of this variant remains unclear.

Labcorp Genetics (formerly Invitae), Labcorp
Classification: Likely benign for Noonan syndrome 9. Last evaluated: 2024-11-05. Review status: criteria provided, single submitter. Criteria: Invitae Variant Classification Sherloc (09022015). Collection method: clinical testing. Allele origin: germline.

NM_006939.4(SOS2):c.3407T>C (p.Leu1136Ser)

Gene: SOS2 (SOS Ras/Rho guanine nucleotide exchange factor 2; minus strand). Cytogenetic location: 14q21.3.
Variant type: single nucleotide variant.
Coding change: c.3407T>C on transcript NM_006939.4 (MANE Select); coding-DNA position 3407, T replaced by C.
Protein change: p.Leu1136Ser; replaces leucine 1136 with serine.
Molecular consequence: missense variant.
Genome position (GRCh38, 1-based): chr14:50,120,357, A>G on the plus strand (T>C on the coding strand, the complement: SOS2 is on the minus strand). VCF-style: chr14-50120357-A-G. GRCh37 (hg19) VCF-style: chr14-50587075-A-G.
Other names: short protein forms L1136S.
Identifiers: ClinVar variation 959758 (VCV000959758.12), dbSNP rs372874114, ClinGen allele CA7176799.